The following is an entry in ClinVar:

ClinVar aggregate classification (germline): Uncertain significance. Review status: criteria provided, multiple submitters, no conflicts (2 of 4 stars). 2 submissions from 2 submitters: Uncertain significance (2). Last evaluated 2024-06-20.

Conditions:
Charcot-Marie-Tooth disease axonal type 2Z. Also called: CHARCOT-MARIE-TOOTH DISEASE, AXONAL, AUTOSOMAL DOMINANT, TYPE 2Z; CHARCOT-MARIE-TOOTH NEUROPATHY, TYPE 2Z. Identifiers: Orphanet 466768, MedGen C5569025, MONDO:0014736, OMIM 616688.

Submissions (2):

Mayo Clinic Laboratories, Mayo Clinic
Classification: Uncertain significance. Last evaluated: 2024-06-20. Review status: criteria provided, single submitter. Criteria: ACMG Guidelines, 2015. Collection method: clinical testing. Allele origin: germline. Observed: 1 variant allele.
Comment: BP4

Labcorp Genetics (formerly Invitae), Labcorp
Classification: Uncertain significance for Charcot-Marie-Tooth disease axonal type 2Z. Last evaluated: 2024-06-18. Review status: criteria provided, single submitter. Criteria: Invitae Variant Classification Sherloc (09022015). Collection method: clinical testing. Allele origin: germline.
Comment: This sequence change replaces threonine, which is neutral and polar, with isoleucine, which is neutral and non-polar, at codon 723 of the MORC2 protein (p.Thr723Ile). This variant is not present in population databases (gnomAD no frequency). This variant has not been reported in the literature in individuals affected with MORC2-related conditions. Advanced modeling of protein sequence and biophysical properties (such as structural, functional, and spatial information, amino acid conservation, physicochemical variation, residue mobility, and thermodynamic stability) has been performed at Invitae for this missense variant, however the output from this modeling did not meet the statistical confidence thresholds required to predict the impact of this variant on MORC2 protein function. In summary, the available evidence is currently insufficient to determine the role of this variant in disease. Therefore, it has been classified as a Variant of Uncertain Significance.

NM_001303256.3(MORC2):c.2168C>T (p.Thr723Ile)

Gene: MORC2 (MORC family CW-type zinc finger 2; minus strand). Cytogenetic location: 22q12.2.
Variant type: single nucleotide variant.
Coding change: c.2168C>T on transcript NM_001303256.3 (MANE Select); coding-DNA position 2168, C replaced by T.
Protein change: p.Thr723Ile; replaces threonine 723 with isoleucine.
Molecular consequence: missense variant.
Genome position (GRCh38, 1-based): chr22:30,934,806, G>A on the plus strand (C>T on the coding strand, the complement: MORC2 is on the minus strand). VCF-style: chr22-30934806-G-A. GRCh37 (hg19) VCF-style: chr22-31330793-G-A.
Other names: p.Thr723Ile; c.2168C>T, p.Thr723Ile (NM_001303257.2); c.1982C>T, p.Thr661Ile (NM_014941.3); short protein forms T661I, T723I.
Identifiers: ClinVar variation 3380706 (VCV003380706.3).
Genomic context (GRCh38, chr22:30,934,806, plus strand): 5'-CTGGGCTGGGGTATTAAAGAGGACAAGCGTCTCACCGGGGAGAGTTTGATGGGTGACTCT[G>A]TCTTCTTCACCACTGGAGTCTTGATGACTTTGGGAGAAGGAACCTCCCGAGGGCTCTTGG-3'
Protein context (NP_001290185.1, residues 713-733): KVIKTPVVKK[Thr723Ile]ESPIKLSPAT